The following is an entry in ClinVar:

NM_007294.4(BRCA1):c.4833C>T (p.Ala1611=)

Gene: BRCA1 (BRCA1 DNA repair associated; minus strand). Cytogenetic location: 17q21.31.
Variant type: single nucleotide variant.
Coding change: c.4833C>T on transcript NM_007294.4 (MANE Select); coding-DNA position 4833, C replaced by T.
Protein change: p.Ala1611=; no amino-acid change (alanine 1611 retained).
Molecular consequence: synonymous variant. On other transcripts: intron variant (1).
Genome position (GRCh38, 1-based): chr17:43,071,081, G>A on the plus strand (C>T on the coding strand, the complement: BRCA1 is on the minus strand). VCF-style: chr17-43071081-G-A. GRCh37 (hg19) VCF-style: chr17-41223098-G-A.
Other names: 4952C/T; c.1308C>T, p.Ala436= (NM_001408492.1, NM_001408493.1); c.1284C>T, p.Ala428= (NM_001408494.1); c.1278C>T, p.Ala426= (NM_001408495.1); c.1260C>T, p.Ala420= (NM_001408496.1, NM_001408497.1, NM_001408498.1 and 3 more transcripts); c.1257C>T, p.Ala419= (NM_001408502.1, NM_001408503.1, NM_001408504.1); c.1254C>T, p.Ala418= (NM_001408505.1); c.1197C>T, p.Ala399= (NM_001408506.1); and 72 more.
Identifiers: ClinVar variation 55297 (VCV000055297.17), dbSNP rs80356842, ClinGen allele CA003040.
Genomic context (GRCh38, chr17:43,071,081, plus strand): 5'-ACTTTCTTCCATTGCATTATACCCAGCAGTATCAGTAGTATGAGCAGCAGCTGGACTCTG[G>A]GCAGATTCTGCAACTTTCAATTGGGGAACTTTCAATGCAGAGGTTGAAGATGGTATGTTG-3'
Protein context (NP_009225.1, residues 1601-1621): KVPQLKVAES[Ala1611=]QSPAAAHTTD

ClinVar aggregate classification (germline): Likely benign. Review status: reviewed by expert panel (3 of 4 stars). 6 submissions from 6 submitters: Likely benign (1). 5 of the submissions do not count toward it. Last evaluated 2017-06-29.

Conditions:
Hereditary cancer-predisposing syndrome. Also called: Hereditary Cancer Syndrome; Hereditary neoplastic syndrome; Neoplastic Syndromes, Hereditary; Tumor predisposition. Identifiers: Orphanet 140162, MedGen C0027672, MeSH D009386, MONDO:0015356.
Breast-ovarian cancer, familial, susceptibility to, 1 (BROVCA1). Also called: BRCA1 Hereditary Breast and Ovarian Cancer; OVARIAN CANCER, SUSCEPTIBILITY TO. Identifiers: Orphanet 145, MedGen C2676676, MONDO:0011450, OMIM 604370. Disease mechanism: loss of function.
Hereditary breast ovarian cancer syndrome. Also called: BRCA1- and BRCA2-Associated Hereditary Breast and Ovarian Cancer; Hereditary breast and ovarian cancer syndrome; Hereditary breast and ovarian cancer syndrome (HBOC); Breast and ovarian cancer; Hereditary breast and/or ovarian cancer syndrome; Hereditary breast and ovarian cancer. Identifiers: Orphanet 145, MedGen C0677776, MeSH D061325, MONDO:0003582. Disease mechanism: loss of function.

Submissions (6):

Evidence-based Network for the Interpretation of Germline Mutant Alleles (ENIGMA)
Classification: Likely benign for Breast-ovarian cancer, familial, susceptibility to, 1. Last evaluated: 2017-06-29. Review status: reviewed by expert panel. Criteria: ENIGMA BRCA1/2 Classification Criteria (2017-06-29). Collection method: curation. Allele origin: germline.
Comment: Synonymous substitution variant, with low bioinformatic likelihood to result in a splicing aberration (Splicing prior probability 0.02).

Labcorp Genetics (formerly Invitae), Labcorp
Classification: Likely benign for Hereditary breast ovarian cancer syndrome. Last evaluated: 2024-06-14. Review status: criteria provided, single submitter. Criteria: Invitae Variant Classification Sherloc (09022015). Collection method: clinical testing. Allele origin: germline. Not counted in ClinVar's aggregate classification.

Sema4
Classification: Likely benign for Hereditary cancer-predisposing syndrome. Last evaluated: 2021-02-19. Review status: criteria provided, single submitter. Criteria: Sema4 Curation Guidelines. Collection method: curation. Allele origin: germline. Not counted in ClinVar's aggregate classification.

Color Diagnostics, LLC DBA Color Health
Classification: Likely benign for Hereditary cancer-predisposing syndrome. Last evaluated: 2018-12-14. Review status: criteria provided, single submitter. Criteria: ACMG Guidelines, 2015. Collection method: clinical testing. Allele origin: germline. Not counted in ClinVar's aggregate classification.

Ambry Genetics
Classification: Likely benign for Hereditary cancer-predisposing syndrome. Last evaluated: 2015-10-24. Review status: criteria provided, single submitter. Criteria: Ambry Variant Classification Scheme 2023. Collection method: clinical testing. Allele origin: germline. Not counted in ClinVar's aggregate classification.

Breast Cancer Information Core (BIC) (BRCA1)
Classification: Uncertain significance for Breast-ovarian cancer, familial 1. Last evaluated: 1998-08-26. Review status: no assertion criteria provided. Collection method: clinical testing. Allele origin: germline. Affected: yes. Observed: 1 variant allele. Not counted in ClinVar's aggregate classification.